The following is an entry in ClinVar:

ClinVar aggregate classification (germline): Conflicting classifications of pathogenicity. Review status: criteria provided, conflicting classifications (1 of 4 stars). 3 submissions from 3 submitters: Uncertain significance (2); Likely benign (1). Last evaluated 2026-02-01.

Conditions:
Supravalvar aortic stenosis (SVAS). Also called: Supravalvar aortic stenosis, Eisenberg type. Identifiers: Orphanet 3193, MedGen C0003499, MONDO:0008504, OMIM 185500, HP:0004381.
ELN-related disorder.

Allele frequency attached by ClinVar (database versions not stated): ExAC 0.00003; gnomAD exomes 0.00004 and 0.00009; TOPMed 0.00007; ESP Exome Variant Server 0.00008; gnomAD 0.00009 and 0.00010; 1000 Genomes Project 0.00020; 1000 Genomes Project 30x 0.00031.
gnomAD v4.1: 149 of 1,614,118 alleles (0.0092%); highest among the groups gnomAD compares: Non-Finnish European, 0.011%; no homozygotes.

Submissions (3):

Labcorp Genetics (formerly Invitae), Labcorp
Classification: Uncertain significance for Supravalvar aortic stenosis. Last evaluated: 2026-02-01. Review status: criteria provided, single submitter. Criteria: Invitae Variant Classification Sherloc (09022015). Collection method: clinical testing. Allele origin: germline.
Comment: This sequence change replaces glycine, which is neutral and non-polar, with glutamic acid, which is acidic and polar, at codon 348 of the ELN protein (p.Gly348Glu). This variant is present in population databases (rs186728715, gnomAD 0.006%). This variant has not been reported in the literature in individuals affected with ELN-related conditions. ClinVar contains an entry for this variant (Variation ID: 1178546). Invitae Evidence Modeling of protein sequence and biophysical properties (such as structural, functional, and spatial information, amino acid conservation, physicochemical variation, residue mobility, and thermodynamic stability) indicates that this missense variant is not expected to disrupt ELN protein function with a negative predictive value of 80%. In summary, the available evidence is currently insufficient to determine the role of this variant in disease. Therefore, it has been classified as a Variant of Uncertain Significance.

PreventionGenetics, part of Exact Sciences
Classification: Likely benign for ELN-related condition. Last evaluated: 2025-10-14. Review status: criteria provided, single submitter. Criteria: ACMG Guidelines, 2015. Collection method: clinical testing. Allele origin: germline.
Comment: This variant is classified as likely benign based on ACMG/AMP sequence variant interpretation guidelines (Richards et al. 2015 PMID: 25741868, with internal and published modifications).

GeneDx
Classification: Uncertain significance. Last evaluated: 2024-06-12. Review status: criteria provided, single submitter. Criteria: GeneDx Variant Classification Process June 2021. Collection method: clinical testing. Allele origin: germline. Affected: yes.
Comment: Has not been reported as pathogenic or benign in association with an ELN-related disorder; In silico analysis supports that this missense variant has a deleterious effect on protein structure/function; This variant is associated with the following publications: (PMID: 19029017)

NM_000501.4(ELN):c.1043G>A (p.Gly348Glu)

Gene: ELN (elastin; plus strand). Cytogenetic location: 7q11.23.
Variant type: single nucleotide variant.
Coding change: c.1043G>A on transcript NM_000501.4 (MANE Select); coding-DNA position 1043, G replaced by A.
Protein change: p.Gly348Glu; replaces glycine 348 with glutamic acid.
Molecular consequence: missense variant.
Genome position (GRCh38, 1-based): chr7:74,053,256, G>A. VCF-style: chr7-74053256-G-A. GRCh37 (hg19) VCF-style: chr7-73467586-G-A.
Other names: c.1043G>A (NM_001278939.1); c.1013G>A, p.Gly338Glu (NM_001081752.3, NM_001278917.2); c.1058G>A, p.Gly353Glu (NM_001081753.3, NM_001081754.3); c.1043G>A, p.Gly348Glu (NM_001081755.3, NM_001278912.2, NM_001278915.2 and 1 more transcripts); c.935G>A, p.Gly312Glu (NM_001278913.2); c.1028G>A, p.Gly343Glu (NM_001278914.2); c.1001G>A, p.Gly334Glu (NM_001278916.2); c.911G>A, p.Gly304Glu (NM_001278918.2); short protein forms G304E, G312E, G334E, G338E, G343E, G348E, G353E.
Identifiers: ClinVar variation 1178546 (VCV001178546.12), dbSNP rs186728715, ClinGen allele CA4292810.
Genomic context (GRCh38, chr7:74,053,256, plus strand): 5'-GCTTTGGCCCGGGAGTAGTTGGTGTCCCAGGAGCTGGCGTTCCAGGTGTTGGTGTCCCAG[G>A]AGCTGGGATTCCAGTTGTCCCAGGTGCTGGGATCCCAGGTGCTGCGGTTCCAGGTGAGCT-3'
Protein context (NP_000492.2, residues 338-358): GAGVPGVGVP[Gly348Glu]AGIPVVPGAG